The following is an entry in ClinVar:

ClinVar aggregate classification (germline): Uncertain significance (1 of 4 stars; one submission).

gnomAD v4.1: 5 of 1,612,812 alleles (0.00031%); highest among the groups gnomAD compares: Non-Finnish European, 0.00042%; no homozygotes.

Submission:

Labcorp Genetics (formerly Invitae), Labcorp
Classification: Uncertain significance. Last evaluated: 2025-09-25. Review status: criteria provided, single submitter. Criteria: Invitae Variant Classification Sherloc (09022015). Collection method: clinical testing. Allele origin: germline.
Comment: This sequence change replaces tyrosine, which is neutral and polar, with cysteine, which is neutral and slightly polar, at codon 70 of the DUOX2 protein (p.Tyr70Cys). This variant is not present in population databases (gnomAD no frequency). This variant has not been reported in the literature in individuals affected with DUOX2-related conditions. Invitae Evidence Modeling of protein sequence and biophysical properties (such as structural, functional, and spatial information, amino acid conservation, physicochemical variation, residue mobility, and thermodynamic stability) has been performed for this missense variant. However, the output from this modeling did not meet the statistical confidence thresholds required to predict the impact of this variant on DUOX2 protein function. In summary, the available evidence is currently insufficient to determine the role of this variant in disease. Therefore, it has been classified as a Variant of Uncertain Significance.

NM_001363711.2(DUOX2):c.209A>G (p.Tyr70Cys)

Gene: DUOX2 (dual oxidase 2; minus strand). Cytogenetic location: 15q21.1.
Variant type: single nucleotide variant.
Coding change: c.209A>G on transcript NM_001363711.2 (MANE Select); coding-DNA position 209, A replaced by G.
Protein change: p.Tyr70Cys; replaces tyrosine 70 with cysteine.
Molecular consequence: missense variant.
Genome position (GRCh38, 1-based): chr15:45,112,670, T>C on the plus strand (A>G on the coding strand, the complement: DUOX2 is on the minus strand). VCF-style: chr15-45112670-T-C. GRCh37 (hg19) VCF-style: chr15-45404868-T-C.
Other names: c.209A>G, p.Tyr70Cys (NM_014080.5); short protein forms Y70C.
Identifiers: ClinVar variation 4707443 (VCV004707443.1).